The following is an entry in ClinVar:

NM_001349253.2(SCN11A):c.2644C>T (p.Pro882Ser)

Gene: SCN11A (sodium voltage-gated channel alpha subunit 11; minus strand). Cytogenetic location: 3p22.2.
Variant type: single nucleotide variant.
Coding change: c.2644C>T on transcript NM_001349253.2 (MANE Select); coding-DNA position 2644, C replaced by T.
Protein change: p.Pro882Ser; replaces proline 882 with serine.
Molecular consequence: missense variant.
Genome position (GRCh38, 1-based): chr3:38,894,724, G>A on the plus strand (C>T on the coding strand, the complement: SCN11A is on the minus strand). VCF-style: chr3-38894724-G-A. GRCh37 (hg19) VCF-style: chr3-38936215-G-A.
Other names: c.2644C>T, p.Pro882Ser (NM_014139.3); short protein forms P882S.
Identifiers: ClinVar variation 962466 (VCV000962466.7), dbSNP rs2065563045, ClinGen allele CA352174686.

ClinVar aggregate classification (germline): Uncertain significance (1 of 4 stars; one submission).

Conditions:
Familial episodic pain syndrome with predominantly lower limb involvement. Also called: Episodic pain syndrome, familial, 3. Identifiers: Orphanet 391384, Orphanet 391392, MedGen C3809899, MONDO:0014247, OMIM 615552.
Hereditary sensory and autonomic neuropathy type 7. Also called: HSAN VII; Neuropathy, hereditary sensory and autonomic, type VII. Identifiers: Orphanet 391397, MedGen C3809882, MONDO:0014244, OMIM 615548.

Submission:

Labcorp Genetics (formerly Invitae), Labcorp
Classification: Uncertain significance for Familial episodic pain syndrome with predominantly lower limb involvement; Hereditary sensory and autonomic neuropathy type 7. Last evaluated: 2022-09-01. Review status: criteria provided, single submitter. Criteria: Invitae Variant Classification Sherloc (09022015). Collection method: clinical testing. Allele origin: germline.
Comment: ClinVar contains an entry for this variant (Variation ID: 962466). This sequence change replaces proline, which is neutral and non-polar, with serine, which is neutral and polar, at codon 882 of the SCN11A protein (p.Pro882Ser). This variant is not present in population databases (gnomAD no frequency). This variant has not been reported in the literature in individuals affected with SCN11A-related conditions. Algorithms developed to predict the effect of missense changes on protein structure and function (SIFT, PolyPhen-2, Align-GVGD) all suggest that this variant is likely to be tolerated. In summary, the available evidence is currently insufficient to determine the role of this variant in disease. Therefore, it has been classified as a Variant of Uncertain Significance.